The following is an entry in ClinVar:

NM_004655.4(AXIN2):c.459C>T (p.Thr153=)

Gene: AXIN2 (axin 2; minus strand). Cytogenetic location: 17q24.1.
Variant type: single nucleotide variant.
Coding change: c.459C>T on transcript NM_004655.4 (MANE Select); coding-DNA position 459, C replaced by T.
Protein change: p.Thr153=; no amino-acid change (threonine 153 retained).
Molecular consequence: synonymous variant.
Genome position (GRCh38, 1-based): chr17:65,558,162, G>A on the plus strand (C>T on the coding strand, the complement: AXIN2 is on the minus strand). VCF-style: chr17-65558162-G-A. GRCh37 (hg19) VCF-style: chr17-63554280-G-A.
Other names: c.459C>T, p.Thr153= (NM_001363813.1); c.459C>T (NM_004655.3).
Identifiers: ClinVar variation 1092773 (VCV001092773.11), dbSNP rs1264323190, ClinGen allele CA501691738.

ClinVar aggregate classification (germline): Benign/Likely benign. Review status: criteria provided, multiple submitters, no conflicts (2 of 4 stars). 3 submissions from 3 submitters: Benign (1); Likely benign (2). Last evaluated 2025-07-18.

Conditions:
Hereditary cancer-predisposing syndrome. Also called: Hereditary Cancer Syndrome; Neoplastic Syndromes, Hereditary; Hereditary neoplastic syndrome; Tumor predisposition. Identifiers: Orphanet 140162, MedGen C0027672, MeSH D009386, MONDO:0015356.
Oligodontia-cancer predisposition syndrome. Also called: TOOTH AGENESIS-COLORECTAL CANCER SYNDROME. Identifiers: Orphanet 300576, MedGen C1837750, MONDO:0012075, OMIM 608615. Disease mechanism: loss of function.

Allele frequency attached by ClinVar (database versions not stated): gnomAD exomes below 0.00001; TOPMed below 0.00001; gnomAD 0.00001.
gnomAD v4.1: 3 of 1,614,002 alleles (0.00019%); highest among the groups gnomAD compares: African/African-American, 0.0013%; no homozygotes.

Submissions (3):

Ambry Genetics
Classification: Likely benign for Hereditary cancer-predisposing syndrome. Last evaluated: 2025-07-18. Review status: criteria provided, single submitter. Criteria: Ambry Variant Classification Scheme 2023. Collection method: clinical testing. Allele origin: germline.

Labcorp Genetics (formerly Invitae), Labcorp
Classification: Likely benign for Oligodontia-cancer predisposition syndrome. Last evaluated: 2025-05-04. Review status: criteria provided, single submitter. Criteria: Invitae Variant Classification Sherloc (09022015). Collection method: clinical testing. Allele origin: germline.

Myriad Genetics, Inc.
Classification: Benign for Oligodontia-cancer predisposition syndrome. Last evaluated: 2024-06-26. Review status: criteria provided, single submitter. Criteria: Myriad Autosomal Dominant, Autosomal Recessive and X-Linked Classification Criteria (2023). Collection method: clinical testing. Allele origin: unknown.
Comment: This variant is considered benign. This variant is a silent/synonymous amino acid change and it is not expected to impact splicing.